The following is an entry in ClinVar:

ClinVar aggregate classification (germline): Uncertain significance. Review status: criteria provided, multiple submitters, no conflicts (2 of 4 stars). 2 submissions from 2 submitters: Uncertain significance (2). Last evaluated 2025-04-07.

Conditions:
Hereditary cancer-predisposing syndrome. Also called: Neoplastic Syndromes, Hereditary; Hereditary Cancer Syndrome; Tumor predisposition; Hereditary neoplastic syndrome. Identifiers: Orphanet 140162, MedGen C0027672, MeSH D009386, MONDO:0015356.

Submissions (2):

Labcorp Genetics (formerly Invitae), Labcorp
Classification: Uncertain significance. Last evaluated: 2025-04-07. Review status: criteria provided, single submitter. Criteria: Invitae Variant Classification Sherloc (09022015). Collection method: clinical testing. Allele origin: germline.
Comment: This sequence change replaces asparagine, which is neutral and polar, with isoleucine, which is neutral and non-polar, at codon 892 of the CTNNA1 protein (p.Asn892Ile). This variant is not present in population databases (gnomAD no frequency). This variant has not been reported in the literature in individuals affected with CTNNA1-related conditions. ClinVar contains an entry for this variant (Variation ID: 2446901). Invitae Evidence Modeling of protein sequence and biophysical properties (such as structural, functional, and spatial information, amino acid conservation, physicochemical variation, residue mobility, and thermodynamic stability) indicates that this missense variant is not expected to disrupt CTNNA1 protein function with a negative predictive value of 80%. In summary, the available evidence is currently insufficient to determine the role of this variant in disease. Therefore, it has been classified as a Variant of Uncertain Significance.

Ambry Genetics
Classification: Uncertain significance for Hereditary cancer-predisposing syndrome. Last evaluated: 2025-02-26. Review status: criteria provided, single submitter. Criteria: Ambry Variant Classification Scheme 2023. Collection method: clinical testing. Allele origin: germline.
Comment: The p.N892I variant (also known as c.2675A>T), located in coding exon 17 of the CTNNA1 gene, results from an A to T substitution at nucleotide position 2675. The asparagine at codon 892 is replaced by isoleucine, an amino acid with dissimilar properties. This amino acid position is conserved. In addition, this alteration is predicted to be tolerated by in silico analysis. The evidence for this gene-disease relationship is limited; therefore, the clinical significance of this alteration is unclear.

NM_001903.5(CTNNA1):c.2675A>T (p.Asn892Ile)

Gene: CTNNA1 (catenin alpha 1; plus strand). Cytogenetic location: 5q31.2.
Variant type: single nucleotide variant.
Coding change: c.2675A>T on transcript NM_001903.5 (MANE Select); coding-DNA position 2675, A replaced by T.
Protein change: p.Asn892Ile; replaces asparagine 892 with isoleucine.
Molecular consequence: missense variant. On other transcripts: 3 prime UTR variant (5).
Genome position (GRCh38, 1-based): chr5:138,934,043, A>T. VCF-style: chr5-138934043-A-T. GRCh37 (hg19) VCF-style: chr5-138269732-A-T.
Other names: c.*220A>T (NM_001290307.3, NM_001324002.1, NM_001324003.1 and 2 more transcripts); c.2366A>T, p.Asn789Ile (NM_001290309.3); c.2306A>T, p.Asn769Ile (NM_001290310.3); c.1565A>T, p.Asn522Ile (NM_001290312.1, NM_001323987.1, NM_001323988.1 and 12 more transcripts); c.2675A>T, p.Asn892Ile (NM_001323982.2, NM_001323983.1, NM_001323984.2); c.2648A>T, p.Asn883Ile (NM_001323985.2); c.2582A>T, p.Asn861Ile (NM_001323986.2); c.1430A>T, p.Asn477Ile (NM_001324001.1); and 3 more; short protein forms N441I, N769I, N861I, N883I, N892I, N409I, N789I, N477I.
Identifiers: ClinVar variation 2446901 (VCV002446901.6), dbSNP rs2533957472, ClinGen allele CA361135748.